The following is an entry in ClinVar:

NM_001822.7(CHN1):c.-68G>A

Gene: CHN1 (chimerin 1; minus strand). Cytogenetic location: 2q31.1.
Variant type: single nucleotide variant.
Coding change: c.-68G>A on transcript NM_001822.7 (MANE Select); 68 bases upstream of the start codon, G replaced by A.
Molecular consequence: 5 prime UTR variant.
Genome position (GRCh38, 1-based): chr2:175,004,980, C>T on the plus strand (G>A on the coding strand, the complement: CHN1 is on the minus strand). VCF-style: chr2-175004980-C-T. GRCh37 (hg19) VCF-style: chr2-175869708-C-T.
Other names: c.-68G>A (NM_001025201.4, NM_001371513.1, NM_001371514.1).
Identifiers: ClinVar variation 332471 (VCV000332471.6), dbSNP rs117866326, ClinGen allele CA10612856.

ClinVar aggregate classification (germline): Benign. Review status: criteria provided, multiple submitters, no conflicts (2 of 4 stars). 2 submissions from 2 submitters: Benign (2). Last evaluated 2018-01-13.

Conditions:
Duane retraction syndrome 2. Identifiers: Orphanet 233, MedGen C0751083, MONDO:0011444, OMIM 604356.

Allele frequency attached by ClinVar (database versions not stated): gnomAD exomes 0.00566; gnomAD 0.01117 and 0.01246; TOPMed 0.01463; 1000 Genomes Project 0.02955; 1000 Genomes Project 30x 0.03232.

Submissions (2):

Illumina Laboratory Services, Illumina
Classification: Benign for Duane retraction syndrome 2. Last evaluated: 2018-01-13. Review status: criteria provided, single submitter. Criteria: ICSL Variant Classification Criteria 13 December 2019. Collection method: clinical testing. Allele origin: germline.
Comment: This variant was observed in the ICSL laboratory as part of a predisposition screen in an ostensibly healthy population. It had not been previously curated by ICSL or reported in the Human Gene Mutation Database (HGMD: prior to June 1st, 2018), and was therefore a candidate for classification through an automated scoring system. Utilizing variant allele frequency, disease prevalence and penetrance estimates, and inheritance mode, an automated score was calculated to assess if this variant is too frequent to cause the disease. Based on the score and internal cut-off values, a variant classified as benign is not then subjected to further curation. The score for this variant resulted in a classification of benign for this disease.

Breakthrough Genomics
Classification: Benign. Review status: criteria provided, single submitter. Criteria: ACMG Guidelines, 2015. Collection method: not provided. Allele origin: germline. Inheritance: Autosomal dominant inheritance. Affected: yes.